The following is an entry in ClinVar:

ClinVar aggregate classification (germline): Uncertain significance (1 of 4 stars; one submission).

Conditions:
Hereditary breast ovarian cancer syndrome. Also called: Hereditary breast and ovarian cancer; Hereditary breast and/or ovarian cancer syndrome; Hereditary breast and ovarian cancer syndrome; Hereditary breast and ovarian cancer syndrome (HBOC); Breast and ovarian cancer; BRCA1- and BRCA2-Associated Hereditary Breast and Ovarian Cancer. Identifiers: Orphanet 145, MedGen C0677776, MeSH D061325, MONDO:0003582. Disease mechanism: loss of function.

Submission:

Labcorp Genetics (formerly Invitae), Labcorp
Classification: Uncertain significance for Hereditary breast ovarian cancer syndrome. Last evaluated: 2024-11-30. Review status: criteria provided, single submitter. Criteria: Invitae Variant Classification Sherloc (09022015). Collection method: clinical testing. Allele origin: germline.
Comment: This sequence change replaces proline, which is neutral and non-polar, with glutamine, which is neutral and polar, at codon 3129 of the BRCA2 protein (p.Pro3129Gln). This variant is not present in population databases (gnomAD no frequency). This variant has not been reported in the literature in individuals affected with BRCA2-related conditions. ClinVar contains an entry for this variant (Variation ID: 956171). Invitae Evidence Modeling of protein sequence and biophysical properties (such as structural, functional, and spatial information, amino acid conservation, physicochemical variation, residue mobility, and thermodynamic stability) indicates that this missense variant is not expected to disrupt BRCA2 protein function with a negative predictive value of 95%. In summary, the available evidence is currently insufficient to determine the role of this variant in disease. Therefore, it has been classified as a Variant of Uncertain Significance.

NM_000059.4(BRCA2):c.9386C>A (p.Pro3129Gln)

Gene: BRCA2 (BRCA2 DNA repair associated; plus strand). Cytogenetic location: 13q13.1.
Variant type: single nucleotide variant.
Coding change: c.9386C>A on transcript NM_000059.4 (MANE Select); coding-DNA position 9386, C replaced by A.
Protein change: p.Pro3129Gln; replaces proline 3129 with glutamine.
Molecular consequence: missense variant.
Genome position (GRCh38, 1-based): chr13:32,394,818, C>A. VCF-style: chr13-32394818-C-A. GRCh37 (hg19) VCF-style: chr13-32968955-C-A.
Other names: short protein forms P3129Q.
Identifiers: ClinVar variation 956171 (VCV000956171.10), dbSNP rs2073023351, ClinGen allele CA387761291.